The following is an entry in ClinVar:

ClinVar aggregate classification (germline): Uncertain significance (1 of 4 stars; one submission).

Conditions:
Developmental and epileptic encephalopathy 94 (DEE94). Also called: Epileptic encephalopathy, childhood-onset; CHD2-Related Neurodevelopmental Disorders. Identifiers: Orphanet 1942, Orphanet 2382, MedGen C3809278, MONDO:0014150, OMIM 615369.

Allele frequency attached by ClinVar (database versions not stated): TOPMed below 0.00001; gnomAD exomes 0.00001; ESP Exome Variant Server 0.00008.
gnomAD v4.1: 4 of 1,613,878 alleles (0.00025%); highest among the groups gnomAD compares: Non-Finnish European, 0.00034%; no homozygotes.

Submission:

Labcorp Genetics (formerly Invitae), Labcorp
Classification: Uncertain significance for Developmental and epileptic encephalopathy 94. Last evaluated: 2022-07-12. Review status: criteria provided, single submitter. Criteria: Invitae Variant Classification Sherloc (09022015). Collection method: clinical testing. Allele origin: germline.
Comment: In summary, the available evidence is currently insufficient to determine the role of this variant in disease. Therefore, it has been classified as a Variant of Uncertain Significance. Advanced modeling of protein sequence and biophysical properties (such as structural, functional, and spatial information, amino acid conservation, physicochemical variation, residue mobility, and thermodynamic stability) performed at Invitae indicates that this missense variant is not expected to disrupt CHD2 protein function. ClinVar contains an entry for this variant (Variation ID: 962752). This missense change has been observed in individual(s) with clinical features of CHD2-related conditions (Invitae). This variant is not present in population databases (gnomAD no frequency). This sequence change replaces glutamic acid, which is acidic and polar, with lysine, which is basic and polar, at codon 1227 of the CHD2 protein (p.Glu1227Lys).

NM_001271.4(CHD2):c.3679G>A (p.Glu1227Lys)

Gene: CHD2 (chromodomain helicase DNA binding protein 2; plus strand). Cytogenetic location: 15q26.1.
Variant type: single nucleotide variant.
Coding change: c.3679G>A on transcript NM_001271.4 (MANE Select); coding-DNA position 3679, G replaced by A.
Protein change: p.Glu1227Lys; replaces glutamic acid 1227 with lysine.
Molecular consequence: missense variant.
Genome position (GRCh38, 1-based): chr15:92,997,040, G>A. VCF-style: chr15-92997040-G-A. GRCh37 (hg19) VCF-style: chr15-93540270-G-A.
Other names: short protein forms E1227K.
Identifiers: ClinVar variation 962752 (VCV000962752.10), dbSNP rs150583797, ClinGen allele CA274870724.
Genomic context (GRCh38, chr15:92,997,040, plus strand): 5'-GGTCCAACAATCAAGATATCCGGAGTTCAGGTTAATGTGAAATCCATTATCCAACATGAA[G>A]AGGAGTTTGAGATGCTGCATAAATCTATCCCTGTGGACCCTGAAGAAAAAAAAAAGTGAG-3'
Protein context (NP_001262.3, residues 1217-1237): VNVKSIIQHE[Glu1227Lys]EFEMLHKSIP